The following is an entry in ClinVar:

NM_152906.7(TANGO2):c.415A>G (p.Asn139Asp)

Gene: TANGO2 (transport and golgi organization 2 homolog; plus strand). Cytogenetic location: 22q11.21.
Variant type: single nucleotide variant.
Coding change: c.415A>G on transcript NM_152906.7 (MANE Select); coding-DNA position 415, A replaced by G.
Protein change: p.Asn139Asp; replaces asparagine 139 with aspartic acid.
Molecular consequence: missense variant. On other transcripts: non-coding transcript variant (4), intron variant (11).
Genome position (GRCh38, 1-based): chr22:20,055,977, A>G. VCF-style: chr22-20055977-A-G. GRCh37 (hg19) VCF-style: chr22-20043500-A-G.
Other names: c.415A>G, p.Asn139Asp (NM_001283106.3, NM_001283116.3, NM_001283148.3 and 2 more transcripts); c.538A>G, p.Asn180Asp (NM_001283129.3, NM_001283215.3, NM_001322141.2 and 2 more transcripts); c.121A>G, p.Asn41Asp (NM_001283235.3, NM_001322150.2, NM_001322153.2 and 6 more transcripts); c.313A>G, p.Asn105Asp (NM_001322146.2, NM_001322148.2, NM_001322160.2); c.265+3393A>G (NM_001322163.2, NM_001283179.3, NM_001322167.2 and 4 more transcripts); c.388+3393A>G (NM_001322145.2, NM_001322147.2); c.380+2426A>G (NM_001283199.3); c.503+2426A>G (NM_001322149.2); short protein forms N105D, N41D, N139D, N180D.
Identifiers: ClinVar variation 1468113 (VCV001468113.6), dbSNP rs759116135, ClinGen allele CA10106352.
Genomic context (GRCh38, chr22:20,055,977, plus strand): 5'-TGACATTCTCTCCCCTTGGCCTGCAGCACAGCAAAGGGAGACGTCATTTGCTACTATGGG[A>G]ACCGAGGGGAGCCTGATCCTATCGTTTTGACGCCAGGTGAGCCTGCCCTGGCAGCCTGAT-3'
Protein context (NP_690870.3, residues 129-149): AKGDVICYYG[Asn139Asp]RGEPDPIVLT

ClinVar aggregate classification (germline): Uncertain significance (1 of 4 stars; one submission).

Allele frequency attached by ClinVar (database versions not stated): gnomAD exomes 0.00002; ExAC 0.00005.
gnomAD v4.1: 13 of 1,614,094 alleles (0.00081%); highest among the groups gnomAD compares: Non-Finnish European, 0.001%; no homozygotes.

Submission:

Labcorp Genetics (formerly Invitae), Labcorp
Classification: Uncertain significance. Last evaluated: 2023-11-27. Review status: criteria provided, single submitter. Criteria: Invitae Variant Classification Sherloc (09022015). Collection method: clinical testing. Allele origin: germline.
Comment: This sequence change replaces asparagine with aspartic acid at codon 139 of the TANGO2 protein (p.Asn139Asp). The asparagine residue is moderately conserved and there is a small physicochemical difference between asparagine and aspartic acid. This variant is present in population databases (rs759116135, gnomAD 0.005%). This variant has not been reported in the literature in individuals affected with TANGO2-related conditions. ClinVar contains an entry for this variant (Variation ID: 1468113). An algorithm developed to predict the effect of missense changes on protein structure and function (PolyPhen-2) suggests that this variant is likely to be disruptive. In summary, the available evidence is currently insufficient to determine the role of this variant in disease. Therefore, it has been classified as a Variant of Uncertain Significance.